The following is an entry in ClinVar:

NM_000484.4(APP):c.1475A>G (p.Asn492Ser)

Genes: APP (amyloid beta precursor protein; minus strand), LOC126653330 (CDK7 strongly-dependent group 2 enhancer GRCh37_chr21:27326978-27328177; plus strand). Cytogenetic location: 21q21.3.
Variant type: single nucleotide variant.
Coding change: c.1475A>G on transcript NM_000484.4 (MANE Select); coding-DNA position 1475, A replaced by G.
Protein change: p.Asn492Ser; replaces asparagine 492 with serine.
Molecular consequence: missense variant.
Genome position (GRCh38, 1-based): chr21:25,955,739, T>C on the plus strand (A>G on the coding strand, the complement: APP is on the minus strand). VCF-style: chr21-25955739-T-C. GRCh37 (hg19) VCF-style: chr21-27328053-T-C.
Other names: c.1403A>G, p.Asn468Ser (NM_001136016.3); c.1082A>G, p.Asn361Ser (NM_001136129.3); c.1307A>G, p.Asn436Ser (NM_001136130.3, NM_001385253.1); c.1145A>G, p.Asn382Ser (NM_001136131.3); c.1475A>G, p.Asn492Ser (NM_001204301.2); c.1418A>G, p.Asn473Ser (NM_001204302.2, NM_201413.3); c.1250A>G, p.Asn417Ser (NM_001204303.2, NM_201414.3); short protein forms N436S, N468S, N473S, N361S, N382S, N417S, N492S.
Identifiers: ClinVar variation 2201605 (VCV002201605.4), dbSNP rs769638062, ClinGen allele CA9987299.
Genomic context (GRCh38, chr21:25,955,739, plus strand): 5'-AAATGCTTTAGGGTGTGCTGTCTGTCCTTCTGTTCTGCGCGGACATACTTCTTTAGCATA[T>C]TGAACACGTGACGAGGCTGTGGGAGGAAAATGAAAAACTCTTTTTCAAGTTTGTGCAAAA-3'
Protein context (NP_000475.1, residues 482-502): AVPPRPRHVF[Asn492Ser]MLKKYVRAEQ

ClinVar aggregate classification (germline): Uncertain significance (1 of 4 stars; one submission).

Conditions:
Alzheimer disease. Also called: Presenile and senile dementia; Alzheimer's disease. Identifiers: Orphanet 1020, MedGen C0002395, MeSH D000544, MONDO:0004975, HP:0002511.

Allele frequency attached by ClinVar (database versions not stated): gnomAD 0.00001; ExAC 0.00002; gnomAD exomes 0.00002.
gnomAD v4.1: 31 of 1,614,054 alleles (0.0019%); highest among the groups gnomAD compares: Admixed American, 0.0067%; no homozygotes.

Submission:

Labcorp Genetics (formerly Invitae), Labcorp
Classification: Uncertain significance for Alzheimer disease. Last evaluated: 2022-01-12. Review status: criteria provided, single submitter. Criteria: Invitae Variant Classification Sherloc (09022015). Collection method: clinical testing. Allele origin: germline.
Comment: This sequence change replaces asparagine, which is neutral and polar, with serine, which is neutral and polar, at codon 492 of the APP protein (p.Asn492Ser). This variant is present in population databases (rs769638062, gnomAD 0.009%). This variant has not been reported in the literature in individuals affected with APP-related conditions. Algorithms developed to predict the effect of missense changes on protein structure and function (SIFT, PolyPhen-2, Align-GVGD) all suggest that this variant is likely to be tolerated. Algorithms developed to predict the effect of sequence changes on RNA splicing suggest that this variant may create or strengthen a splice site. In summary, the available evidence is currently insufficient to determine the role of this variant in disease. Therefore, it has been classified as a Variant of Uncertain Significance.